The following is an entry in ClinVar:

NM_033118.4(MYLK2):c.*1G>T

Gene: MYLK2 (myosin light chain kinase 2; plus strand). Cytogenetic location: 20q11.21.
Variant type: single nucleotide variant.
Coding change: c.*1G>T on transcript NM_033118.4 (MANE Select); 1 bases downstream of the stop codon, G replaced by T.
Molecular consequence: 3 prime UTR variant.
Genome position (GRCh38, 1-based): chr20:31,833,798, G>T. VCF-style: chr20-31833798-G-T. GRCh37 (hg19) VCF-style: chr20-30421601-G-T.
Identifiers: ClinVar variation 387046 (VCV000387046.1), dbSNP rs749491327, ClinGen allele CA16607963.
Genomic context (GRCh38, chr20:31,833,798, plus strand): 5'-GCTGCCAACCGCTTCAAGAAGATCAGCAGCTCGGGGGCACTGATGGCTCTGGGGGTCTGA[G>T]CCCTGGGCGCAGCTGAAGCCTGGACGCAGCCACACAGTGGCCGGGGCTGAAGCCACACAG-3'

ClinVar aggregate classification (germline): Likely benign (1 of 4 stars; one submission).

Allele frequency attached by ClinVar (database versions not stated): gnomAD 0.00001.
gnomAD v4.1: 2 of 1,612,096 alleles (0.00012%); highest among the groups gnomAD compares: East Asian, 0.0022%; no homozygotes.

Submission:

GeneDx
Classification: Likely benign. Last evaluated: 2016-06-17. Review status: criteria provided, single submitter. Criteria: GeneDx Variant Classification (06012015). Collection method: clinical testing. Allele origin: germline. Affected: yes.
Comment: This variant is considered likely benign or benign based on one or more of the following criteria: it is a conservative change, it occurs at a poorly conserved position in the protein, it is predicted to be benign by multiple in silico algorithms, and/or has population frequency not consistent with disease.